The following is an entry in ClinVar:

NM_014697.3(NOS1AP):c.92G>A (p.Cys31Tyr)

Gene: NOS1AP (nitric oxide synthase 1 adaptor protein; plus strand). Cytogenetic location: 1q23.3.
Variant type: single nucleotide variant.
Coding change: c.92G>A on transcript NM_014697.3 (MANE Select); coding-DNA position 92, G replaced by A.
Protein change: p.Cys31Tyr; replaces cysteine 31 with tyrosine.
Molecular consequence: missense variant.
Genome position (GRCh38, 1-based): chr1:162,070,269, G>A. VCF-style: chr1-162070269-G-A. GRCh37 (hg19) VCF-style: chr1-162040059-G-A.
Other names: c.92G>A, p.Cys31Tyr (NM_001164757.2); short protein forms C31Y.
Identifiers: ClinVar variation 928809 (VCV000928809.1), dbSNP rs1691632353, ClinGen allele CA343464893.

ClinVar aggregate classification (germline): Uncertain significance (1 of 4 stars; one submission).

Submission:

Women's Health and Genetics/Laboratory Corporation of America, LabCorp
Classification: Uncertain significance. Last evaluated: 2019-03-18. Review status: criteria provided, single submitter. Criteria: LabCorp Variant Classification Summary - May 2015. Collection method: clinical testing. Allele origin: germline.
Comment: Variant summary: NOS1AP c.92G>A (p.Cys31Tyr) results in a non-conservative amino acid change located in the PTB/PI domain of the encoded protein sequence. Three of five in-silico tools predict a benign effect of the variant on protein function. The variant was absent in 243410 control chromosomes (gnomAD). The available data on variant occurrences in the general population are insufficient to allow any conclusion about variant significance. To our knowledge, no occurrence of c.92G>A in individuals affected with Arrhythmia and no experimental evidence demonstrating its impact on protein function have been reported. No clinical diagnostic laboratories have submitted clinical-significance assessments for this variant to ClinVar after 2014. Based on the evidence outlined above, the variant was classified as uncertain significance.